The following is an entry in ClinVar:

NM_000322.5(PRPH2):c.761T>A (p.Leu254Gln)

Gene: PRPH2 (peripherin 2; minus strand). Cytogenetic location: 6p21.1.
Variant type: single nucleotide variant.
Coding change: c.761T>A on transcript NM_000322.5 (MANE Select); coding-DNA position 761, T replaced by A.
Protein change: p.Leu254Gln; replaces leucine 254 with glutamine.
Molecular consequence: missense variant.
Genome position (GRCh38, 1-based): chr6:42,704,432, A>T on the plus strand (T>A on the coding strand, the complement: PRPH2 is on the minus strand). VCF-style: chr6-42704432-A-T. GRCh37 (hg19) VCF-style: chr6-42672170-A-T.
Other names: short protein forms L254Q.
Identifiers: ClinVar variation 973718 (VCV000973718.11), dbSNP rs1800110989, ClinGen allele CA364134917.

ClinVar aggregate classification (germline): Pathogenic/Likely pathogenic. Review status: criteria provided, multiple submitters, no conflicts (2 of 4 stars). 5 submissions from 4 submitters: Pathogenic (2); Likely pathogenic (2). 1 of the submissions does not count toward it. Last evaluated 2025-12-15.

Conditions:
Patterned dystrophy of the retinal pigment epithelium (MDPT1). Identifiers: Orphanet 63454, MedGen C1868569, MONDO:0018973.
Retinitis pigmentosa (RP). Identifiers: Orphanet 791, MedGen C0035334, MeSH D012174, MONDO:0019200, OMIM 268000. Inheritance: Autosomal dominant, autosomal recessive and X linked inheritance.
PRPH2-related disorder. Also called: PRPH2-related condition; PRPH2-related disorders. Identifiers: MedGen CN239395.

Submissions (5):

Labcorp Genetics (formerly Invitae), Labcorp
Classification: Pathogenic for PRPH2-related disorder. Last evaluated: 2025-12-15. Review status: criteria provided, single submitter. Criteria: Invitae Variant Classification Sherloc (09022015). Collection method: clinical testing. Allele origin: germline.
Comment: This sequence change replaces leucine, which is neutral and non-polar, with glutamine, which is neutral and polar, at codon 254 of the PRPH2 protein (p.Leu254Gln). This variant is not present in population databases (gnomAD no frequency). This missense change has been observed in individual(s) with autosomal dominant retinitis pigmentosa (PMID: 25447119). It has also been observed to segregate with disease in related individuals. ClinVar contains an entry for this variant (Variation ID: 973718). Invitae Evidence Modeling of protein sequence and biophysical properties (such as structural, functional, and spatial information, amino acid conservation, physicochemical variation, residue mobility, and thermodynamic stability) indicates that this missense variant is expected to disrupt PRPH2 protein function with a positive predictive value of 95%. Experimental studies have shown that this missense change affects PRPH2 function (PMID: 25447119). For these reasons, this variant has been classified as Pathogenic.

Blueprint Genetics
Classification: Pathogenic for PRPH2-related disorders. Last evaluated: 2020-01-12. Review status: criteria provided, single submitter. Criteria: ACMG Guidelines, 2015. Collection method: clinical testing. Allele origin: germline. Affected: yes. Observed: 1 variant allele.

NEI Ophthalmic Genomics Laboratory, National Institutes of Health
Classification: Likely pathogenic for Patterned dystrophy of the retinal pigment epithelium. Last evaluated: 2020-01-07. Review status: criteria provided, single submitter. Criteria: ACMG Guidelines, 2015. Collection method: clinical testing. Allele origin: germline. Affected: yes.
Comment: The variant NM_000322.4:c.761T>A in the PRPH2 gene has been previously studied(PMID 25447119). We found this variant in 2 patient(s) in a PRPH2 cohort study (Reeves et al. 2020). This variant is not listed in dbSNP and/or HGMD. It is absent in gnomAD browser. It is not enriched in the PRPH2 disease cohort. We invoked ACMG criteria [PS3-down-PP, PM2, PP3, PP1-M] and classified NM_000322.4:c.761T>A in the PRPH2 gene as a Likely Pathogenic mutation.

NEI Ophthalmic Genomics Laboratory, National Institutes of Health
Classification: Likely pathogenic for Retinitis pigmentosa. Last evaluated: 2020-01-07. Review status: criteria provided, single submitter. Criteria: ACMG Guidelines, 2015. Collection method: clinical testing. Allele origin: germline. Affected: yes.
Comment: the same text as in the submission from NEI Ophthalmic Genomics Laboratory, National Institutes of Health above.

Leiden Open Variation Database
Classification: Pathogenic. Last evaluated: 2021-04-06. Review status: no assertion criteria provided. Collection method: curation. Allele origin: germline. Affected: yes. Not counted in ClinVar's aggregate classification.
Comment: Curator: Global Variome, with Curator vacancy. Submitter to LOVD: Manon Peeters.

Literature cited by the submitters: PubMed 25447119 (cited by Labcorp Genetics (formerly Invitae), Labcorp and Leiden Open Variation Database); PubMed 32531846 (cited by Leiden Open Variation Database).